The following is an entry in ClinVar:

NM_032578.4(MYPN):c.266A>G (p.Glu89Gly)

Gene: MYPN (myopalladin; plus strand). Cytogenetic location: 10q21.3.
Variant type: single nucleotide variant.
Coding change: c.266A>G on transcript NM_032578.4 (MANE Select); coding-DNA position 266, A replaced by G.
Protein change: p.Glu89Gly; replaces glutamic acid 89 with glycine.
Molecular consequence: missense variant. On other transcripts: 5 prime UTR variant (1), non-coding transcript variant (1).
Genome position (GRCh38, 1-based): chr10:68,121,704, A>G. VCF-style: chr10-68121704-A-G. GRCh37 (hg19) VCF-style: chr10-69881461-A-G.
Other names: c.266A>G, p.Glu89Gly (NM_001256267.2); c.-857A>G (NM_001256268.2); c.266A>G (NM_032578.2); short protein forms E89G.
Identifiers: ClinVar variation 1508979 (VCV001508979.7), dbSNP rs1288647382, ClinGen allele CA377103962.
Genomic context (GRCh38, chr10:68,121,704, plus strand): 5'-AAGAAGAATTAGACGAAAGTGTCAATTTGGCAAGACTGGCCATCAATTACGACCCTTTGG[A>G]GAAGGCAGATGAAACTCAAGCTAGAAAACGACTTTCTCCTGATCAGATGAAACACTCACC-3'
Protein context (NP_115967.2, residues 79-99): ARLAINYDPL[Glu89Gly]KADETQARKR

ClinVar aggregate classification (germline): Uncertain significance. Review status: criteria provided, multiple submitters, no conflicts (2 of 4 stars). 2 submissions from 2 submitters: Uncertain significance (2). Last evaluated 2026-08-13.

Conditions:
Cardiovascular phenotype. Identifiers: MedGen CN230736.
Dilated cardiomyopathy 1KK (CMD1KK). Identifiers: Orphanet 154, Orphanet 75249, MedGen C3714995, MONDO:0014100, OMIM 615248.

Allele frequency attached by ClinVar (database versions not stated): TOPMed below 0.00001; gnomAD exomes 0.00001.
gnomAD v4.1: 3 of 1,614,230 alleles (0.00019%); highest among the groups gnomAD compares: Admixed American, 0.0033%; no homozygotes.

Submissions (2):

Ambry Genetics
Classification: Uncertain significance for Cardiovascular phenotype. Last evaluated: 2026-08-13. Review status: criteria provided, single submitter. Criteria: Ambry Variant Classification Scheme 2023. Collection method: clinical testing. Allele origin: germline.
Comment: The p.E89G variant (also known as c.266A>G), located in coding exon 1 of the MYPN gene, results from an A to G substitution at nucleotide position 266. The glutamic acid at codon 89 is replaced by glycine, an amino acid with similar properties. This variant was reported in individual(s) with features consistent with left ventricular non-compaction (LVNC) (Janin A et al. Mol Diagn Ther, 2021 May;25:373-385). This amino acid position is highly conserved in available vertebrate species. In addition, the in silico prediction for this alteration is inconclusive. Based on the available evidence, the clinical significance of this variant remains unclear.

Labcorp Genetics (formerly Invitae), Labcorp
Classification: Uncertain significance for Dilated cardiomyopathy 1KK. Last evaluated: 2024-10-22. Review status: criteria provided, single submitter. Criteria: Invitae Variant Classification Sherloc (09022015). Collection method: clinical testing. Allele origin: germline.
Comment: This sequence change replaces glutamic acid, which is acidic and polar, with glycine, which is neutral and non-polar, at codon 89 of the MYPN protein (p.Glu89Gly). This variant is present in population databases (no rsID available, gnomAD 0.006%). This variant has not been reported in the literature in individuals affected with MYPN-related conditions. ClinVar contains an entry for this variant (Variation ID: 1508979). An algorithm developed to predict the effect of missense changes on protein structure and function (PolyPhen-2) suggests that this variant is likely to be disruptive. In summary, the available evidence is currently insufficient to determine the role of this variant in disease. Therefore, it has been classified as a Variant of Uncertain Significance.

Literature cited by the submitters: PubMed 33954932 (cited by Ambry Genetics).